The following is an entry in ClinVar:

NM_213622.4(STAMBP):c.1218+4C>T

Gene: STAMBP (STAM binding protein; plus strand). Cytogenetic location: 2p13.1.
Variant type: single nucleotide variant.
Coding change: c.1218+4C>T on transcript NM_213622.4 (MANE Select); 4 bases into the intron after coding-DNA position 1218, C replaced by T.
Molecular consequence: intron variant.
Genome position (GRCh38, 1-based): chr2:73,860,155, C>T. VCF-style: chr2-73860155-C-T. GRCh37 (hg19) VCF-style: chr2-74087282-C-T.
Other names: c.813+4C>T (NM_001353976.2, NM_001353974.2, NM_001353975.2 and 3 more transcripts); c.1218+4C>T (NM_001353970.2, NM_006463.6, NM_001353968.2 and 3 more transcripts).
Identifiers: ClinVar variation 1524209 (VCV001524209.7), dbSNP rs190122375, ClinGen allele CA1717736.
Genomic context (GRCh38, chr2:73,860,155, plus strand): 5'-TCTTCCTGTCGCCAGAAAGGATTTCATCCACACAGCAAGGATCCACCTCTGTTCTGTGTA[C>T]GTATCTATGTAAAAGAAAATGGGGCTATGCTTCAAGCAGGGAGGACAGTCAGAGCTGATG-3'

ClinVar aggregate classification (germline): Uncertain significance. Review status: criteria provided, multiple submitters, no conflicts (2 of 4 stars). 2 submissions from 2 submitters: Uncertain significance (2). Last evaluated 2022-07-06.

Allele frequency attached by ClinVar (database versions not stated): gnomAD 0.00001; gnomAD exomes 0.00001; ExAC 0.00002; TOPMed 0.00002; 1000 Genomes Project 30x 0.00031; 1000 Genomes Project 0.00040.
gnomAD v4.1: 17 of 1,611,028 alleles (0.0011%); highest among the groups gnomAD compares: African/African-American, 0.0093%; no homozygotes.

Submissions (2):

Labcorp Genetics (formerly Invitae), Labcorp
Classification: Uncertain significance. Last evaluated: 2022-07-06. Review status: criteria provided, single submitter. Criteria: Invitae Variant Classification Sherloc (09022015). Collection method: clinical testing. Allele origin: germline.
Comment: Variants that disrupt the consensus splice site are a relatively common cause of aberrant splicing (PMID: 17576681, 9536098). Algorithms developed to predict the effect of sequence changes on RNA splicing suggest that this variant is not likely to affect RNA splicing. In summary, the available evidence is currently insufficient to determine the role of this variant in disease. Therefore, it has been classified as a Variant of Uncertain Significance. ClinVar contains an entry for this variant (Variation ID: 1524209). This variant has not been reported in the literature in individuals affected with STAMBP-related conditions. This variant is present in population databases (rs190122375, gnomAD 0.007%). This sequence change falls in intron 10 of the STAMBP gene. It does not directly change the encoded amino acid sequence of the STAMBP protein. It affects a nucleotide within the consensus splice site.

Breakthrough Genomics
Classification: Uncertain significance. Review status: criteria provided, single submitter. Criteria: ACMG Guidelines, 2015. Collection method: not provided. Allele origin: germline. Inheritance: Autosomal recessive inheritance. Affected: yes.

Literature cited by the submitters: PubMed 17576681 (cited by Labcorp Genetics (formerly Invitae), Labcorp); PubMed 9536098 (cited by Labcorp Genetics (formerly Invitae), Labcorp).